The following is an entry in ClinVar:

ClinVar aggregate classification (germline): Uncertain significance. Review status: criteria provided, multiple submitters, no conflicts (2 of 4 stars). 4 submissions from 4 submitters: Uncertain significance (4). Last evaluated 2025-07-22.

Conditions:
Myosin storage myopathy (CMYO7A). Also called: Scapuloperoneal myopathy, MYH7-related; MYOPATHY, HYALINE BODY, AUTOSOMAL DOMINANT; MYOPATHY WITH LYSIS OF TYPE I MYOFIBRILS; SCAPULOPERONEAL MUSCULAR DYSTROPHY; SCAPULOPERONEAL SYNDROME, MYOPATHIC TYPE; MYH7-related late-onset scapuloperoneal muscular dystrophy. Identifiers: Orphanet 437572, Orphanet 636965, MedGen C1842160, MONDO:0008409, OMIM 608358.
Cardiomyopathy (CMYO). Also called: Cardiomyopathies. Identifiers: Orphanet 167848, MedGen C0878544, MONDO:0004994, HP:0001638. Inheritance: Various modes of inheritance.
Hypertrophic cardiomyopathy. Also called: HYPERTROPHIC MYOCARDIOPATHY. Identifiers: Orphanet 217569, MedGen C0007194, MeSH D002312, MONDO:0005045, HP:0001639.

Submissions (4):

3billion
Classification: Uncertain significance for Myosin storage myopathy. Last evaluated: 2025-07-22. Review status: criteria provided, single submitter. Criteria: ACMG Guidelines, 2015. Collection method: clinical testing. Allele origin: germline. Affected: yes.
Comment: The variant is not observed in the gnomAD v4.1.0 dataset. Predicted Consequence/Location: Missense variant In silico tool predictions suggest damaging effect of the variant on gene or gene product [REVEL: 0.79 (>=0.6, sensitivity 0.68 and specificity 0.92); 3Cnet: 0.99 (> 0.75, sensitivity 0.96 and precision 0.92)]. The variant has been reported as of uncertain significance (ClinVar ID: VCV001514038). Therefore, this variant is classified as VUS according to the recommendation of ACMG/AMP guideline.

Revvity Omics, Revvity
Classification: Uncertain significance. Last evaluated: 2024-12-05. Review status: criteria provided, single submitter. Criteria: ACMG Guidelines, 2015. Collection method: clinical testing. Allele origin: germline.

All of Us Research Program, National Institutes of Health
Classification: Uncertain significance for Cardiomyopathy. Last evaluated: 2024-07-29. Review status: criteria provided, single submitter. Criteria: ACMG Guidelines, 2015. Collection method: clinical testing. Allele origin: germline. Inheritance: Autosomal dominant inheritance. Observed: 1 variant allele, 1 heterozygote.
Comment: This missense variant replaces leucine with phenylalanine at codon 1850 of the MYH7 protein. Computational prediction suggests that this variant may have deleterious impact on protein structure and function (internally defined REVEL score threshold >= 0.7, PMID: 27666373). To our knowledge, functional studies have not been reported for this variant. This variant has not been reported in individuals affected with MYH7-related disorders in the literature. This variant has not been identified in the general population by the Genome Aggregation Database (gnomAD). The available evidence is insufficient to determine the role of this variant in disease conclusively. Therefore, this variant is classified as a Variant of Uncertain Significance.

This study involves interpretation of variants in research participants for the purpose of population health screening. Participant phenotype was not available at the time of variant classification. Additional details can be found in publication PMID: 35346344, PMCID: PMC8962531

Labcorp Genetics (formerly Invitae), Labcorp
Classification: Uncertain significance for Hypertrophic cardiomyopathy. Last evaluated: 2022-10-05. Review status: criteria provided, single submitter. Criteria: Invitae Variant Classification Sherloc (09022015). Collection method: clinical testing. Allele origin: germline.
Comment: This sequence change replaces leucine, which is neutral and non-polar, with phenylalanine, which is neutral and non-polar, at codon 1850 of the MYH7 protein (p.Leu1850Phe). This variant is not present in population databases (gnomAD no frequency). In summary, the available evidence is currently insufficient to determine the role of this variant in disease. Therefore, it has been classified as a Variant of Uncertain Significance. Advanced modeling of protein sequence and biophysical properties (such as structural, functional, and spatial information, amino acid conservation, physicochemical variation, residue mobility, and thermodynamic stability) performed at Invitae indicates that this missense variant is expected to disrupt MYH7 protein function. ClinVar contains an entry for this variant (Variation ID: 1514038). This variant has not been reported in the literature in individuals affected with MYH7-related conditions.

NM_000257.4(MYH7):c.5548C>T (p.Leu1850Phe)

Gene: MYH7 (myosin heavy chain 7; minus strand). Cytogenetic location: 14q11.2.
Variant type: single nucleotide variant.
Coding change: c.5548C>T on transcript NM_000257.4 (MANE Select); coding-DNA position 5548, C replaced by T.
Protein change: p.Leu1850Phe; replaces leucine 1850 with phenylalanine.
Molecular consequence: missense variant.
Genome position (GRCh38, 1-based): chr14:23,415,006, G>A on the plus strand (C>T on the coding strand, the complement: MYH7 is on the minus strand). VCF-style: chr14-23415006-G-A. GRCh37 (hg19) VCF-style: chr14-23884215-G-A.
Other names: short protein forms L1850F.
Identifiers: ClinVar variation 1514038 (VCV001514038.11), dbSNP rs2138637902, ClinGen allele CA389035017.